The following is an entry in ClinVar:

ClinVar aggregate classification (germline): Uncertain significance (1 of 4 stars; one submission).

Submission:

Laboratory for Molecular Medicine, Mass General Brigham Personalized Medicine
Classification: Uncertain significance. Last evaluated: 2017-01-13. Review status: criteria provided, single submitter. Criteria: LMM Criteria. Collection method: clinical testing. Allele origin: germline. Observed: 1 variant allele.
Comment: The p.Ile280Thr variant in NF1 has not been previously reported in individuals w ith a RASopathy or in large population studies. Computational prediction tools a nd conservation analysis do not provide strong support for or against an impact to the protein. In summary, the clinical significance of the p.Ile280Thr variant is uncertain.

NM_001042492.3(NF1):c.839T>C (p.Ile280Thr)

Gene: NF1 (neurofibromin 1; plus strand). Cytogenetic location: 17q11.2.
Variant type: single nucleotide variant.
Coding change: c.839T>C on transcript NM_001042492.3 (MANE Select); coding-DNA position 839, T replaced by C.
Protein change: p.Ile280Thr; replaces isoleucine 280 with threonine.
Molecular consequence: missense variant.
Genome position (GRCh38, 1-based): chr17:31,182,616, T>C. VCF-style: chr17-31182616-T-C. GRCh37 (hg19) VCF-style: chr17-29509634-T-C.
Other names: c.839T>C, p.Ile280Thr (NM_000267.4, NM_001128147.3); short protein forms I280T.
Identifiers: ClinVar variation 517245 (VCV000517245.5), dbSNP rs1555608976, ClinGen allele CA398991072.